The following is an entry in ClinVar:

NM_001267550.2(TTN):c.87236C>G (p.Ser29079Ter)

Genes: TTN-AS1 (TTN antisense RNA 1; plus strand), TTN (titin; minus strand). Cytogenetic location: 2q31.2.
Variant type: single nucleotide variant.
Coding change: c.87236C>G on transcript NM_001267550.2 (MANE Select); coding-DNA position 87236, C replaced by G.
Protein change: p.Ser29079Ter; replaces serine 29079 with a stop codon.
Molecular consequence: nonsense.
Genome position (GRCh38, 1-based): chr2:178,558,118, G>C on the plus strand (C>G on the coding strand, the complement: TTN is on the minus strand). VCF-style: chr2-178558118-G-C. GRCh37 (hg19) VCF-style: chr2-179422845-G-C.
Other names: c.82313C>G, p.Ser27438Ter (NM_001256850.1); c.60041C>G, p.Ser20014Ter (NM_003319.4); c.79532C>G, p.Ser26511Ter (NM_133378.4); c.60416C>G, p.Ser20139Ter (NM_133432.3); c.60617C>G, p.Ser20206Ter (NM_133437.4); short protein forms S27438*, S29079*, S20014*, S20139*, S26511*, S20206*.
Identifiers: ClinVar variation 379344 (VCV000379344.3), dbSNP rs1057520580, ClinGen allele CA16604095.

ClinVar aggregate classification (germline): Pathogenic/Likely pathogenic. Review status: criteria provided, multiple submitters, no conflicts (2 of 4 stars). 2 submissions from 2 submitters: Pathogenic (1); Likely pathogenic (1). Last evaluated 2025-09-07.

Conditions:
Dilated cardiomyopathy 1G (CMD1G). Identifiers: Orphanet 154, MedGen C1858763, MONDO:0011400, OMIM 604145.
Autosomal recessive limb-girdle muscular dystrophy type 2J (LGMDR10). Also called: Limb-girdle muscular dystrophy, type 2J; MUSCULAR DYSTROPHY, LIMB-GIRDLE, AUTOSOMAL RECESSIVE 10. Identifiers: Orphanet 140922, MedGen C1837342, MONDO:0012127, OMIM 608807.

Allele frequency attached by ClinVar (database versions not stated): gnomAD exomes below 0.00001.
gnomAD v4.1: 1 of 1,613,856 alleles (0.000062%); highest among the groups gnomAD compares: Non-Finnish European, 0.000085%; no homozygotes.

Submissions (2):

Labcorp Genetics (formerly Invitae), Labcorp
Classification: Likely pathogenic for Dilated cardiomyopathy 1G; Autosomal recessive limb-girdle muscular dystrophy type 2J. Last evaluated: 2025-09-07. Review status: criteria provided, single submitter. Criteria: Invitae Variant Classification Sherloc (09022015). Collection method: clinical testing. Allele origin: germline.
Comment: This sequence change creates a premature translational stop signal (p.Ser29079*) in the TTN gene. While this is not anticipated to result in nonsense mediated decay, it is expected to create a truncated TTN protein. This variant is not present in population databases (gnomAD no frequency). This variant has not been reported in the literature in individuals affected with TTN-related conditions. ClinVar contains an entry for this variant (Variation ID: 379344). This variant is located in the A band of TTN (PMID: 25589632). Truncating variants in this region are significantly overrepresented in patients affected with dilated cardiomyopathy (PMID: 25589632). Truncating variants in this region have also been reported in individuals affected with autosomal recessive centronuclear myopathy (PMID: 23975875). In summary, the currently available evidence indicates that the variant is pathogenic, but additional data are needed to prove that conclusively. Therefore, this variant has been classified as Likely Pathogenic.

GeneDx
Classification: Pathogenic. Last evaluated: 2015-04-10. Review status: criteria provided, single submitter. Criteria: GeneDx Variant Classification (06012015). Collection method: clinical testing. Allele origin: germline. Affected: yes.
Comment: The S27438X variant in the TTN gene has not been reported previously as a pathogenic variant or as a benign polymorphism, to our knowledge. S27438X is predicted to cause loss of normal protein functioneither due to production of an abnormal, prematurely truncated protein, or by absence of protein productdue to nonsense mediated mRNA decay. Other truncating TTN variants have been reported inapproximately 3% of control alleles (Herman D et al., 2012). However, S27438X is located in the A-band region of titin, where the majority of truncating variants associated with DCM have been reported(Herman D et al., 2012). Furthermore, S27438X was not observed in approximately 6000 individuals ofEuropean and African American ancestry in the NHLBI Exome Sequencing Project, indicating it is not acommon benign variant in these populations. In summary, S27438X in the TTN gene is interpreted as a pathogenic variant.

Literature cited by the submitters: PubMed 25589632 (cited by Labcorp Genetics (formerly Invitae), Labcorp); PubMed 23975875 (cited by Labcorp Genetics (formerly Invitae), Labcorp).